The following is an entry in ClinVar:

NM_014317.5(PDSS1):c.852C>T (p.Pro284=)

Gene: PDSS1 (decaprenyl diphosphate synthase subunit 1; plus strand). Cytogenetic location: 10p12.1.
Variant type: single nucleotide variant.
Coding change: c.852C>T on transcript NM_014317.5 (MANE Select); coding-DNA position 852, C replaced by T.
Protein change: p.Pro284=; no amino-acid change (proline 284 retained).
Molecular consequence: synonymous variant. On other transcripts: intron variant (1).
Genome position (GRCh38, 1-based): chr10:26,735,260, C>T. VCF-style: chr10-26735260-C-T. GRCh37 (hg19) VCF-style: chr10-27024189-C-T.
Other names: c.342C>T, p.Pro114= (NM_001321979.2); c.836-7237C>T (NM_001321978.2); c.852C>T (NM_014317.4).
Identifiers: ClinVar variation 1903113 (VCV001903113.6), dbSNP rs771655954, ClinGen allele CA5447045.
Genomic context (GRCh38, chr10:26,735,260, plus strand): 5'-CCTGGAAGCAGCTTATCTCAGAATGCTCTTTCTGTTTCAGGTCTCTGTTCTAGGATGTCC[C>T]GACCCAGTGGTGCATGAGATCGCCTATCAGTACGGAAAAAATGTAGGAATAGCTTTTCAG-3'
Protein context (NP_055132.2, residues 274-294): SCKAVSVLGC[Pro284=]DPVVHEIAYQ

ClinVar aggregate classification (germline): Likely benign. Review status: criteria provided, multiple submitters, no conflicts (2 of 4 stars). 2 submissions from 2 submitters: Likely benign (2). Last evaluated 2025-12-16.

Conditions:
PDSS1-related disorder. Also called: PDSS1-related condition.

Allele frequency attached by ClinVar (database versions not stated): TOPMed 0.00002; gnomAD 0.00005.
gnomAD v4.1: 25 of 1,613,206 alleles (0.0015%); highest among the groups gnomAD compares: African/African-American, 0.0093%; no homozygotes.

Submissions (2):

Labcorp Genetics (formerly Invitae), Labcorp
Classification: Likely benign. Last evaluated: 2025-12-16. Review status: criteria provided, single submitter. Criteria: Invitae Variant Classification Sherloc (09022015). Collection method: clinical testing. Allele origin: germline.

PreventionGenetics, part of Exact Sciences
Classification: Likely benign for PDSS1-related condition. Last evaluated: 2024-12-28. Review status: criteria provided, single submitter. Criteria: ACMG Guidelines, 2015. Collection method: clinical testing. Allele origin: germline.
Comment: This variant is classified as likely benign based on ACMG/AMP sequence variant interpretation guidelines (Richards et al. 2015 PMID: 25741868, with internal and published modifications).